The following is an entry in ClinVar:

ClinVar aggregate classification (germline): Uncertain significance (1 of 4 stars; one submission).

Allele frequency attached by ClinVar (database versions not stated): gnomAD exomes below 0.00001; ExAC 0.00001.
gnomAD v4.1: 5 of 1,613,948 alleles (0.00031%); highest among the groups gnomAD compares: South Asian, 0.0033%; no homozygotes.

Submission:

Labcorp Genetics (formerly Invitae), Labcorp
Classification: Uncertain significance. Last evaluated: 2022-07-15. Review status: criteria provided, single submitter. Criteria: Invitae Variant Classification Sherloc (09022015). Collection method: clinical testing. Allele origin: germline.
Comment: In summary, the available evidence is currently insufficient to determine the role of this variant in disease. Therefore, it has been classified as a Variant of Uncertain Significance. Algorithms developed to predict the effect of missense changes on protein structure and function output the following: SIFT: "Tolerated"; PolyPhen-2: "Benign"; Align-GVGD: "Class C0". The tyrosine amino acid residue is found in multiple mammalian species, which suggests that this missense change does not adversely affect protein function. This sequence change replaces cysteine, which is neutral and slightly polar, with tyrosine, which is neutral and polar, at codon 334 of the POLG2 protein (p.Cys334Tyr). This variant is present in population databases (rs782066236, gnomAD 0.003%). This variant has not been reported in the literature in individuals affected with POLG2-related conditions.

NM_007215.4(POLG2):c.1001G>A (p.Cys334Tyr)

Genes: MILR1 (mast cell immunoglobulin like receptor 1; plus strand), POLG2 (DNA polymerase gamma 2, accessory subunit; minus strand). Cytogenetic location: 17q23.3.
Variant type: single nucleotide variant.
Coding change: c.1001G>A on transcript NM_007215.4 (MANE Select); coding-DNA position 1001, G replaced by A.
Protein change: p.Cys334Tyr; replaces cysteine 334 with tyrosine.
Molecular consequence: missense variant.
Genome position (GRCh38, 1-based): chr17:64,485,837, C>T on the plus strand (G>A on the coding strand, the complement: POLG2 is on the minus strand). VCF-style: chr17-64485837-C-T. GRCh37 (hg19) VCF-style: chr17-62481954-C-T.
Other names: short protein forms C334Y.
Identifiers: ClinVar variation 1926564 (VCV001926564.5), dbSNP rs782066236, ClinGen allele CA8712862.